The following is an entry in ClinVar:

NM_000071.3(CBS):c.1315C>T (p.Arg439Trp)

Gene: CBS (cystathionine beta-synthase; minus strand). Cytogenetic location: 21q22.3.
Variant type: single nucleotide variant.
Coding change: c.1315C>T on transcript NM_000071.3 (MANE Select); coding-DNA position 1315, C replaced by T.
Protein change: p.Arg439Trp; replaces arginine 439 with tryptophan.
Molecular consequence: missense variant.
Genome position (GRCh38, 1-based): chr21:43,058,877, G>A on the plus strand (C>T on the coding strand, the complement: CBS is on the minus strand). VCF-style: chr21-43058877-G-A. GRCh37 (hg19) VCF-style: chr21-44478987-G-A.
Other names: c.1315C>T, p.Arg439Trp (NM_001178008.3, NM_001178009.3, NM_001320298.2); c.1000C>T, p.Arg334Trp (NM_001321072.1); short protein forms R439W, R334W.
Identifiers: ClinVar variation 646873 (VCV000646873.11), dbSNP rs780508029, ClinGen allele CA321688011.

ClinVar aggregate classification (germline): Uncertain significance. Review status: criteria provided, multiple submitters, no conflicts (2 of 4 stars). 5 submissions from 5 submitters: Uncertain significance (4). 1 of the submissions does not count toward it. Last evaluated 2025-12-08.

Conditions:
HYPERHOMOCYSTEINEMIA, THROMBOTIC, CBS-RELATED. Identifiers: MedGen C3150344, OMIM 236200.
Familial thoracic aortic aneurysm and aortic dissection (TAAD). Also called: Thoracic aortic aneurysms and dissections. Identifiers: Orphanet 91387, MedGen C4707243, MONDO:0019625.
Classic homocystinuria. Also called: Homocystinuria due to Cystathionine Beta-Synthase Deficiency; HOMOCYSTINURIA WITH OR WITHOUT RESPONSE TO PYRIDOXINE; Homocystinuria due to CBS deficiency; Cystathionine beta-synthase deficiency; CBS deficiency. Identifiers: Orphanet 394, MedGen C0751202, MONDO:0009352, OMIM 236200.

Allele frequency attached by ClinVar (database versions not stated): ExAC 0.00004; gnomAD exomes 0.00006.

Submissions (5):

Ambry Genetics
Classification: Uncertain significance for Familial thoracic aortic aneurysm and aortic dissection. Last evaluated: 2025-12-08. Review status: criteria provided, single submitter. Criteria: Ambry Variant Classification Scheme 2023. Collection method: clinical testing. Allele origin: germline.
Comment: The p.R439W variant (also known as c.1315C>T), located in coding exon 12 of the CBS gene, results from a C to T substitution at nucleotide position 1315. The arginine at codon 439 is replaced by tryptophan, an amino acid with dissimilar properties. This amino acid position is not well conserved in available vertebrate species. In addition, this alteration is predicted to be deleterious by in silico analysis. Based on the available evidence, the clinical significance of this variant remains unclear.

Labcorp Genetics (formerly Invitae), Labcorp
Classification: Uncertain significance for HYPERHOMOCYSTEINEMIA, THROMBOTIC, CBS-RELATED. Last evaluated: 2024-05-15. Review status: criteria provided, single submitter. Criteria: Invitae Variant Classification Sherloc (09022015). Collection method: clinical testing. Allele origin: germline.
Comment: This sequence change replaces arginine, which is basic and polar, with tryptophan, which is neutral and slightly polar, at codon 439 of the CBS protein (p.Arg439Trp). This variant is present in population databases (rs780508029, gnomAD 0.03%). This variant has not been reported in the literature in individuals affected with CBS-related conditions. ClinVar contains an entry for this variant (Variation ID: 646873). Advanced modeling of protein sequence and biophysical properties (such as structural, functional, and spatial information, amino acid conservation, physicochemical variation, residue mobility, and thermodynamic stability) performed at Invitae indicates that this missense variant is expected to disrupt CBS protein function with a positive predictive value of 95%. In summary, the available evidence is currently insufficient to determine the role of this variant in disease. Therefore, it has been classified as a Variant of Uncertain Significance.

GeneDx
Classification: Uncertain significance. Last evaluated: 2023-09-19. Review status: criteria provided, single submitter. Criteria: GeneDx Variant Classification Process June 2021. Collection method: clinical testing. Allele origin: germline. Affected: yes.
Comment: Has not been previously published as pathogenic or benign to our knowledge; In silico analysis supports that this missense variant has a deleterious effect on protein structure/function

Fulgent Genetics
Classification: Uncertain significance for Classic homocystinuria. Last evaluated: 2021-07-14. Review status: criteria provided, single submitter. Criteria: ACMG Guidelines, 2015. Collection method: clinical testing. Allele origin: unknown.

Natera, Inc.
Classification: Uncertain significance for Homocystinuria due to cystathionine beta-synthase deficiency. Last evaluated: 2020-01-24. Review status: no assertion criteria provided. Collection method: clinical testing. Allele origin: germline. Not counted in ClinVar's aggregate classification.